The following is an entry in ClinVar:

NM_015164.4(PLEKHM2):c.373G>A (p.Val125Ile)

Gene: PLEKHM2 (pleckstrin homology and RUN domain containing M2; plus strand). Cytogenetic location: 1p36.21.
Variant type: single nucleotide variant.
Coding change: c.373G>A on transcript NM_015164.4 (MANE Select); coding-DNA position 373, G replaced by A.
Protein change: p.Val125Ile; replaces valine 125 with isoleucine.
Molecular consequence: missense variant.
Genome position (GRCh38, 1-based): chr1:15,717,988, G>A. VCF-style: chr1-15717988-G-A. GRCh37 (hg19) VCF-style: chr1-16044483-G-A.
Other names: short protein forms V125I.
Identifiers: ClinVar variation 1429780 (VCV001429780.8), dbSNP rs764064755, ClinGen allele CA616665.
Genomic context (GRCh38, chr1:15,717,988, plus strand): 5'-TCCTTGGAGAGCTACCTGCGGTTGTTCCAGGAGAACCTGGGCCTGCTGCATAAGTACTAC[G>A]TCAAGTGAGTGTCTGGGACGGTCTGTCTCCCCTAGCCTCAGAGCTCCCTTTCAGCTACCT-3'
Protein context (NP_055979.2, residues 115-135): ENLGLLHKYY[Val125Ile]KNALVCSHDH

ClinVar aggregate classification (germline): Uncertain significance (1 of 4 stars; one submission).

Allele frequency attached by ClinVar (database versions not stated): TOPMed below 0.00001; gnomAD 0.00001; gnomAD exomes 0.00001; ExAC 0.00002.
gnomAD v4.1: 10 of 1,577,326 alleles (0.00063%); highest among the groups gnomAD compares: South Asian, 0.0023%; no homozygotes.

Submission:

Labcorp Genetics (formerly Invitae), Labcorp
Classification: Uncertain significance. Last evaluated: 2024-07-23. Review status: criteria provided, single submitter. Criteria: Invitae Variant Classification Sherloc (09022015). Collection method: clinical testing. Allele origin: germline.
Comment: This sequence change replaces valine, which is neutral and non-polar, with isoleucine, which is neutral and non-polar, at codon 125 of the PLEKHM2 protein (p.Val125Ile). The frequency data for this variant in the population databases is considered unreliable, as metrics indicate poor data quality at this position in the gnomAD database. This variant has not been reported in the literature in individuals affected with PLEKHM2-related conditions. ClinVar contains an entry for this variant (Variation ID: 1429780). An algorithm developed to predict the effect of missense changes on protein structure and function (PolyPhen-2) suggests that this variant is likely to be tolerated. In summary, the available evidence is currently insufficient to determine the role of this variant in disease. Therefore, it has been classified as a Variant of Uncertain Significance.